The following is an entry in ClinVar:

ClinVar aggregate classification (germline): Uncertain significance. Review status: criteria provided, multiple submitters, no conflicts (2 of 4 stars). 2 submissions from 2 submitters: Uncertain significance (2). Last evaluated 2023-12-04.

Conditions:
Autosomal recessive limb-girdle muscular dystrophy type 2J (LGMDR10). Also called: Limb-girdle muscular dystrophy, type 2J; MUSCULAR DYSTROPHY, LIMB-GIRDLE, AUTOSOMAL RECESSIVE 10. Identifiers: Orphanet 140922, MedGen C1837342, MONDO:0012127, OMIM 608807.
Dilated cardiomyopathy 1G (CMD1G). Identifiers: Orphanet 154, MedGen C1858763, MONDO:0011400, OMIM 604145.

Allele frequency attached by ClinVar (database versions not stated): gnomAD exomes below 0.00001 and 0.00002; gnomAD 0.00001; TOPMed 0.00002.
gnomAD v4.1: 25 of 1,614,030 alleles (0.0015%); highest among the groups gnomAD compares: African/African-American, 0.0027%; no homozygotes.

Submissions (2):

GeneDx
Classification: Uncertain significance. Last evaluated: 2023-12-04. Review status: criteria provided, single submitter. Criteria: GeneDx Variant Classification Process June 2021. Collection method: clinical testing. Allele origin: germline. Affected: yes.
Comment: Not observed at significant frequency in large population cohorts (gnomAD); Missense variant in a gene in which most reported pathogenic variants are truncating/loss of function; Has not been previously published as pathogenic or benign to our knowledge

Labcorp Genetics (formerly Invitae), Labcorp
Classification: Uncertain significance for Dilated cardiomyopathy 1G; Autosomal recessive limb-girdle muscular dystrophy type 2J. Last evaluated: 2017-05-01. Review status: criteria provided, single submitter. Criteria: Invitae Variant Classification Sherloc (09022015). Collection method: clinical testing. Allele origin: germline.

NM_001267550.2(TTN):c.5761A>G (p.Ile1921Val)

Gene: TTN (titin; minus strand). Cytogenetic location: 2q31.2.
Variant type: single nucleotide variant.
Coding change: c.5761A>G on transcript NM_001267550.2 (MANE Select); coding-DNA position 5761, A replaced by G.
Protein change: p.Ile1921Val; replaces isoleucine 1921 with valine.
Molecular consequence: missense variant.
Genome position (GRCh38, 1-based): chr2:178,776,103, T>C on the plus strand (A>G on the coding strand, the complement: TTN is on the minus strand). VCF-style: chr2-178776103-T-C. GRCh37 (hg19) VCF-style: chr2-179640830-T-C.
Other names: c.5761A>G (NM_001267550.1); c.5761A>G, p.Ile1921Val (NM_001256850.1, NM_133378.4, NM_133379.5); c.5623A>G, p.Ile1875Val (NM_003319.4, NM_133432.3, NM_133437.4); short protein forms I1921V, I1875V.
Identifiers: ClinVar variation 467305 (VCV000467305.4), dbSNP rs879100565, ClinGen allele CA60977552.
Genomic context (GRCh38, chr2:178,776,103, plus strand): 5'-TCCTAAGGACAGACCTAAAATCTTCCCTCTGTTGAATCTCAAGCTTCACTTTATGCTCTA[T>C]CACACCTTCAGGATTTTCCGCGGTGACCTTCACTTCACCTGTGTCATATGATTTGCAGTC-3'
Protein context (NP_001254479.2, residues 1911-1931): KVTAENPEGV[Ile1921Val]EHKVKLEIQQ